The following is an entry in ClinVar:

ClinVar aggregate classification (germline): Uncertain significance (1 of 4 stars; one submission).

Submission:

Labcorp Genetics (formerly Invitae), Labcorp
Classification: Uncertain significance. Last evaluated: 2022-11-28. Review status: criteria provided, single submitter. Criteria: Invitae Variant Classification Sherloc (09022015). Collection method: clinical testing. Allele origin: germline.
Comment: In summary, the available evidence is currently insufficient to determine the role of this variant in disease. Therefore, it has been classified as a Variant of Uncertain Significance. This variant, c.88_90del, results in the deletion of 1 amino acid(s) of the LRRC8A protein (p.Tyr30del), but otherwise preserves the integrity of the reading frame. This variant is not present in population databases (gnomAD no frequency). This variant has not been reported in the literature in individuals affected with LRRC8A-related conditions. ClinVar contains an entry for this variant (Variation ID: 1357250). Experimental studies and prediction algorithms are not available or were not evaluated, and the functional significance of this variant is currently unknown.

NM_019594.4(LRRC8A):c.88_90del (p.Tyr30del)

Gene: LRRC8A (leucine rich repeat containing 8 VRAC subunit A; plus strand). Cytogenetic location: 9q34.11.
Variant type: Deletion.
Coding change: c.88_90del on transcript NM_019594.4 (MANE Select); coding-DNA positions 88 to 90, 3 bases deleted (TAC; older notation c.88_90delTAC).
Protein change: p.Tyr30del; deletes tyrosine 30.
Molecular consequence: inframe deletion.
Genome position (GRCh38, 1-based): chr9:128,907,252-128,907,254, TAC deleted; deleting any 3 consecutive bases within chr9:128,907,250-128,907,254 gives the same sequence; the c. name uses the placement nearest the transcript's 3' end. VCF-style (leftmost placement, unchanged base first): chr9-128907249-GACT-G. GRCh37 (hg19) VCF-style: chr9-131669528-GACT-G.
Other names: c.88_90del, p.Tyr30del (NM_001127244.2, NM_001127245.2); short protein forms Y30del.
Identifiers: ClinVar variation 1357250 (VCV001357250.8), dbSNP rs1840289391, ClinGen allele CA1880509818.